The following is an entry in ClinVar:

NM_001278298.2(COL6A5):c.6419G>C (p.Gly2140Ala)

Gene: COL6A5 (collagen type VI alpha 5 chain; plus strand). Cytogenetic location: 3q22.1.
Variant type: single nucleotide variant.
Coding change: c.6419G>C on transcript NM_001278298.2 (MANE Select); coding-DNA position 6419, G replaced by C.
Protein change: p.Gly2140Ala; replaces glycine 2140 with alanine.
Molecular consequence: missense variant. On other transcripts: non-coding transcript variant (1).
Genome position (GRCh38, 1-based): chr3:130,440,757, G>C. VCF-style: chr3-130440757-G-C. GRCh37 (hg19) VCF-style: chr3-130159601-G-C.
Other names: c.6419G>C, p.Gly2140Ala (NM_001412157.1, NM_153264.7); short protein forms G2140A.
Identifiers: ClinVar variation 2654134 (VCV002654134.24), dbSNP rs148781028, ClinGen allele CA2611473.

ClinVar aggregate classification (germline): Likely benign (1 of 4 stars; one submission).

Allele frequency attached by ClinVar (database versions not stated): 1000 Genomes Project 0.00140; ExAC 0.00149; 1000 Genomes Project 30x 0.00156; gnomAD 0.00188; TOPMed 0.00196; ESP Exome Variant Server 0.00216; gnomAD exomes 0.00290.
gnomAD v4.1: 4,487 of 1,613,316 alleles (0.28%); highest among the groups gnomAD compares: Non-Finnish European, 0.35%; 19 homozygotes.

Submission:

CeGaT Center for Human Genetics Tuebingen
Classification: Likely benign. Last evaluated: 2024-02-01. Review status: criteria provided, single submitter. Criteria: CeGaT Center For Human Genetics Tuebingen Variant Classification Criteria Version 2. Collection method: clinical testing. Allele origin: germline. Affected: yes. Observed: 2 variant alleles.
Comment: COL6A5: BS2